The following is an entry in ClinVar:

ClinVar aggregate classification (germline): Uncertain significance (1 of 4 stars; one submission).

gnomAD v4.1: 1 of 1,613,398 alleles (0.000062%); highest among the groups gnomAD compares: Non-Finnish European, 0.000085%; no homozygotes.

Submission:

Labcorp Genetics (formerly Invitae), Labcorp
Classification: Uncertain significance. Last evaluated: 2023-04-27. Review status: criteria provided, single submitter. Criteria: Invitae Variant Classification Sherloc (09022015). Collection method: clinical testing. Allele origin: germline.
Comment: This variant is not present in population databases (gnomAD no frequency). In summary, the available evidence is currently insufficient to determine the role of this variant in disease. Therefore, it has been classified as a Variant of Uncertain Significance. An algorithm developed to predict the effect of missense changes on protein structure and function (PolyPhen-2) suggests that this variant is likely to be disruptive. ClinVar contains an entry for this variant (Variation ID: 1516085). This variant has not been reported in the literature in individuals affected with POLE-related conditions. This sequence change replaces valine, which is neutral and non-polar, with methionine, which is neutral and non-polar, at codon 2111 of the POLE protein (p.Val2111Met).

NM_006231.4(POLE):c.6331G>A (p.Val2111Met)

Gene: POLE (DNA polymerase epsilon, catalytic subunit; minus strand). Cytogenetic location: 12q24.33.
Variant type: single nucleotide variant.
Coding change: c.6331G>A on transcript NM_006231.4 (MANE Select); coding-DNA position 6331, G replaced by A.
Protein change: p.Val2111Met; replaces valine 2111 with methionine.
Molecular consequence: missense variant.
Genome position (GRCh38, 1-based): chr12:132,626,317, C>T on the plus strand (G>A on the coding strand, the complement: POLE is on the minus strand). VCF-style: chr12-132626317-C-T. GRCh37 (hg19) VCF-style: chr12-133202903-C-T.
Other names: short protein forms V2111M.
Identifiers: ClinVar variation 1516085 (VCV001516085.8), dbSNP rs1393355515, ClinGen allele CA387367928.